The following is an entry in ClinVar:

NM_001112726.3(CEP170B):c.3792C>T (p.Pro1264=)

Gene: CEP170B (centrosomal protein 170B; plus strand). Cytogenetic location: 14q32.33.
Variant type: single nucleotide variant.
Coding change: c.3792C>T on transcript NM_001112726.3 (MANE Select); coding-DNA position 3792, C replaced by T.
Protein change: p.Pro1264=; no amino-acid change (proline 1264 retained).
Molecular consequence: synonymous variant.
Genome position (GRCh38, 1-based): chr14:104,889,672, C>T. VCF-style: chr14-104889672-C-T. GRCh37 (hg19) VCF-style: chr14-105356009-C-T.
Other names: c.3687C>T, p.Pro1229= (NM_015005.3).
Identifiers: ClinVar variation 3045201 (VCV003045201.2), dbSNP rs375976923, ClinGen allele CA7376253.
Genomic context (GRCh38, chr14:104,889,672, plus strand): 5'-CTCAACAGCCACTCAGACCCCGAGGGCTGGCAGCTCCAGCCGGGCTCGTTCCCGGGCCCC[C>T]GGCCCCCGGGACACGGACGACGATGAGGAGGAGCCTGACCCTTATGGTTTCATCGTGCAG-3'
Protein context (NP_001106197.1, residues 1254-1274): GSSSRARSRA[Pro1264=]GPRDTDDDEE

ClinVar aggregate classification (germline): Likely benign (0 of 4 stars; one submission).

Conditions:
CEP170B-related disorder. Also called: CEP170B-related condition.

Allele frequency attached by ClinVar (database versions not stated): ESP Exome Variant Server 0.00034; ExAC 0.00037; gnomAD 0.00038; 1000 Genomes Project 0.00040; gnomAD exomes 0.00041; TOPMed 0.00051; 1000 Genomes Project 30x 0.00078.
gnomAD v4.1: 661 of 1,612,038 alleles (0.041%); highest among the groups gnomAD compares: Non-Finnish European, 0.048%; 1 homozygote.

Submission:

PreventionGenetics, part of Exact Sciences
Classification: Likely benign for CEP170B-related condition. Last evaluated: 2019-10-28. Review status: no assertion criteria provided. Collection method: clinical testing. Allele origin: germline.
Comment: This variant is classified as likely benign based on ACMG/AMP sequence variant interpretation guidelines (Richards et al. 2015 PMID: 25741868, with internal and published modifications).